The following is an entry in ClinVar:

ClinVar aggregate classification (germline): Pathogenic (1 of 4 stars; one submission).

Conditions:
Tuberous sclerosis 2 (TSC2). Identifiers: Orphanet 805, MedGen C1860707, MONDO:0013199, OMIM 613254.

Submission:

Labcorp Genetics (formerly Invitae), Labcorp
Classification: Pathogenic for Tuberous sclerosis 2. Last evaluated: 2022-02-11. Review status: criteria provided, single submitter. Criteria: Invitae Variant Classification Sherloc (09022015). Collection method: clinical testing. Allele origin: germline.
Comment: This variant has not been reported in the literature in individuals affected with TSC2-related conditions. For these reasons, this variant has been classified as Pathogenic. This variant is not present in population databases (gnomAD no frequency). This sequence change creates a premature translational stop signal (p.Ala42Serfs*7) in the TSC2 gene. It is expected to result in an absent or disrupted protein product. Loss-of-function variants in TSC2 are known to be pathogenic (PMID: 10205261, 17304050).

Literature cited by the submitters: PubMed 10205261; PubMed 17304050.

NM_000548.5(TSC2):c.116_123dup (p.Ala42fs)

Gene: TSC2 (TSC complex subunit 2; plus strand). Cytogenetic location: 16p13.3.
Variant type: Duplication.
Coding change: c.116_123dup on transcript NM_000548.5 (MANE Select); coding-DNA positions 116 to 123, 8 bases duplicated (TCATCACC; older notation c.116_123dupTCATCACC).
Protein change: p.Ala42fs; shifts the reading frame from alanine 42.
Molecular consequence: frameshift variant. On other transcripts: 5 prime UTR variant (1), intron variant (1).
Genome position (GRCh38, 1-based): chr16:2,048,731-2,048,738, TCATCACC duplicated. VCF-style (leftmost placement, unchanged base first): chr16-2048730-A-ATCATCACC. GRCh37 (hg19) VCF-style: chr16-2098731-A-ATCATCACC.
Other names: c.116_123dup, p.Ala42fs (NM_001077183.3, NM_001114382.3, NM_001318827.2 and 4 more transcripts); c.-111_-104dup (NM_001318831.2, NM_001406682.1, NM_001406684.1 and 2 more transcripts); c.149_156dup, p.Ala53fs (NM_001318832.2); c.116_123dup, p.Ala42Serfs (NM_001406663.1, NM_001406664.1, NM_001406665.1 and 6 more transcripts); c.-701_-694dup (NM_001406680.1, NM_001406683.1, NM_001406687.1); c.-330_-323dup (NM_001406681.1); c.-1316_-1309dup (NM_001406689.1, NM_001406690.1, NM_001406691.1 and 2 more transcripts); c.-1622_-1615dup (NM_001406693.1); and 4 more; short protein forms A53fs, A42fs.
Identifiers: ClinVar variation 2095918 (VCV002095918.4), dbSNP rs2548351472, ClinGen allele CA2580090551.